The following is an entry in ClinVar:

NM_001458.5(FLNC):c.6031G>A (p.Gly2011Arg)

Genes: FLNC (filamin C; plus strand), FLNC-AS1 (FLNC antisense RNA 1; minus strand). Cytogenetic location: 7q32.1.
Variant type: single nucleotide variant.
Coding change: c.6031G>A on transcript NM_001458.5 (MANE Select); coding-DNA position 6031, G replaced by A.
Protein change: p.Gly2011Arg; replaces glycine 2011 with arginine.
Molecular consequence: missense variant.
Genome position (GRCh38, 1-based): chr7:128,852,854, G>A. VCF-style: chr7-128852854-G-A. GRCh37 (hg19) VCF-style: chr7-128492908-G-A.
Other names: c.5932G>A, p.Gly1978Arg (NM_001127487.2); c.5932G>A (NM_001127487.1); short protein forms G2011R, G1978R.
Identifiers: ClinVar variation 472122 (VCV000472122.20), dbSNP rs1554400962, ClinGen allele CA369210984.

ClinVar aggregate classification (germline): Pathogenic/Likely pathogenic. Review status: criteria provided, multiple submitters, no conflicts (2 of 4 stars). 7 submissions from 7 submitters: Pathogenic (2); Likely pathogenic (4). 1 of the submissions does not count toward it. Last evaluated 2026-07-21.

Conditions:
Cardiovascular phenotype. Identifiers: MedGen CN230736.
Hypertrophic cardiomyopathy 26. Also called: Cardiomyopathy, familial hypertrophic, 26. Identifiers: Orphanet 75249, MedGen C4310749, MONDO:0014883, OMIM 617047.
Distal myopathy with posterior leg and anterior hand involvement. Also called: WILLIAMS DISTAL MYOPATHY. Identifiers: Orphanet 63273, MedGen C3279722, MONDO:0013550, OMIM 614065.
Myofibrillar myopathy 5. Also called: Filaminopathy (type); FILAMINOPATHY, AUTOSOMAL DOMINANT. Identifiers: Orphanet 171445, MedGen C1836050, MONDO:0012289, OMIM 609524.
Restrictive cardiomyopathy. Identifiers: Orphanet 217632, MedGen C0007196, MeSH D002313, MONDO:0005201, HP:0001723.

Submissions (7):

Ambry Genetics
Classification: Likely pathogenic for Cardiovascular phenotype. Last evaluated: 2026-07-21. Review status: criteria provided, single submitter. Criteria: Ambry Variant Classification Scheme 2023. Collection method: clinical testing. Allele origin: germline.
Comment: The p.G2011R variant (also known as c.6031G>A), located in coding exon 37 of the FLNC gene, results from a G to A substitution at nucleotide position 6031. The glycine at codon 2011 is replaced by arginine, an amino acid with dissimilar properties. This variant was reported in individual(s) with features consistent with hypertrophic or restrictive cardiomyopathy, segregated with disease in at least one family, and was determined to be de novo in at least one individual (Kolokotronis K et al. J Clin Med, 2020 Jul;9; Lopes LR et al. Eur Heart J, 2021 Aug;42:3063-3073; Bonaventura J et al. J Am Heart Assoc, 2024 May;13:e033565; Xing G et al. J Cardiovasc Dev Dis, 2025 Nov;12; Ndibangwi P et al. Front Med (Lausanne), 2026 Apr;13:1805706; external communication). This amino acid position is highly conserved in available vertebrate species. In addition, this alteration is predicted to be deleterious by in silico analysis. This variant is considered to be rare based on population cohorts in the Genome Aggregation Database (gnomAD). Based on the majority of available evidence to date, this variant is likely to be pathogenic.

IMHOTEP Cardiovascular Genetics Laboratory, University of Cape Town
Classification: Pathogenic for Hypertrophic cardiomyopathy 26. Last evaluated: 2025-07-14. Review status: criteria provided, single submitter. Criteria: ACMG Guidelines, 2015. Collection method: research. Allele origin: germline. Affected: yes.
Comment: A South African family was screened using next-generating sequencing with a custom cardiomyopathy panel of 38 genes. A heterozygous missense FLNC c.6031G>A (p.Gly2011Arg) variant was identified in all four affected individuals. Using ACMG/AMP a score of PP5 Very Strong, PP3 Strong, PP1 Moderate, PM1 Moderate and PM2 Supporting was assigned. The variant is located in the FLNC protein R18 Ig-loop of the rod 2 domain and has been associated with severe RCM.

Labcorp Genetics (formerly Invitae), Labcorp
Classification: Pathogenic for Distal myopathy with posterior leg and anterior hand involvement; Myofibrillar myopathy 5; Hypertrophic cardiomyopathy 26. Last evaluated: 2024-10-29. Review status: criteria provided, single submitter. Criteria: Invitae Variant Classification Sherloc (09022015). Collection method: clinical testing. Allele origin: germline.
Comment: This sequence change replaces glycine, which is neutral and non-polar, with arginine, which is basic and polar, at codon 2011 of the FLNC protein (p.Gly2011Arg). This variant is not present in population databases (gnomAD no frequency). This missense change has been observed in individual(s) with clinical features of FLNC-related conditions (PMID: 32659924; internal data). In at least one individual the variant was observed to be de novo. ClinVar contains an entry for this variant (Variation ID: 472122). Invitae Evidence Modeling of protein sequence and biophysical properties (such as structural, functional, and spatial information, amino acid conservation, physicochemical variation, residue mobility, and thermodynamic stability) has been performed for this missense variant. However, the output from this modeling did not meet the statistical confidence thresholds required to predict the impact of this variant on FLNC protein function. This variant disrupts the p.Gly2011 amino acid residue in FLNC. Other variant(s) that disrupt this residue have been observed in individuals with FLNC-related conditions (PMID: 30418145), which suggests that this may be a clinically significant amino acid residue. For these reasons, this variant has been classified as Pathogenic.

GeneDx
Classification: Likely pathogenic. Last evaluated: 2024-07-09. Review status: criteria provided, single submitter. Criteria: GeneDx Variant Classification Process June 2021. Collection method: clinical testing. Allele origin: germline. Affected: yes.
Comment: Not observed at significant frequency in large population cohorts (gnomAD); In silico analysis supports that this missense variant has a deleterious effect on protein structure/function; This variant is associated with the following publications: (PMID: 35456187, 34263907, Hernandez2020, 32659924, 34971931)

Clinical Genetics Laboratory, Skane University Hospital Lund
Classification: Likely pathogenic. Last evaluated: 2022-05-27. Review status: criteria provided, single submitter. Criteria: ACMG Guidelines, 2015. Collection method: clinical testing. Allele origin: germline. Affected: yes.

Juno Genomics, Hangzhou Juno Genomics, Inc
Classification: Likely pathogenic for Hypertrophic cardiomyopathy 26. Review status: criteria provided, single submitter. Criteria: ACMG Guidelines, 2015. Collection method: clinical testing. Allele origin: germline.
Comment: Absent from controls (or at extremely low frequency if recessive) in Genome Aggregation Database.;Multiple lines of computational evidence support a deleterious effect on the gene or gene product.;Missense variant in a gene that has a low rate of benign missense variation.;The prevalence of the variant in affected individuals is significantly increased compared to the prevalence in controls.;Patient's phenotype or family history is highly specific for a disease with a single genetic etiology.

Institute of Human Genetics, University of Wuerzburg
Classification: Likely pathogenic for Restrictive cardiomyopathy. Review status: no assertion criteria provided. Collection method: clinical testing. Allele origin: unknown. Not counted in ClinVar's aggregate classification.

Literature cited by the submitters: PubMed 32659924 (cited by Ambry Genetics and Labcorp Genetics (formerly Invitae), Labcorp); PubMed 34263907 (cited by Ambry Genetics); PubMed 38757491 (cited by Ambry Genetics); PubMed 41440845 (cited by Ambry Genetics); PubMed 42136867 (cited by Ambry Genetics); PubMed 30418145 (cited by Labcorp Genetics (formerly Invitae), Labcorp).